The following is an entry in ClinVar:

ClinVar aggregate classification (germline): Uncertain significance. Review status: criteria provided, multiple submitters, no conflicts (2 of 4 stars). 2 submissions from 2 submitters: Uncertain significance (2). Last evaluated 2025-11-19.

Conditions:
Inborn genetic diseases. Identifiers: MedGen C0950123, MeSH D030342.

Allele frequency attached by ClinVar (database versions not stated): gnomAD 0.00001; TOPMed 0.00002.
gnomAD v4.1: 3 of 1,613,662 alleles (0.00019%); highest among the groups gnomAD compares: Non-Finnish European, 0.00025%; no homozygotes.

Submissions (2):

GeneDx
Classification: Uncertain significance. Last evaluated: 2025-11-19. Review status: criteria provided, single submitter. Criteria: GeneDx Variant Classification Process June 2021. Collection method: clinical testing. Allele origin: germline.
Comment: Not observed at significant frequency in large population cohorts (gnomAD); In silico analysis suggests that this missense variant does not alter protein structure/function; Has not been previously published as pathogenic or benign to our knowledge

Ambry Genetics
Classification: Uncertain significance for Inborn genetic diseases. Last evaluated: 2022-12-14. Review status: criteria provided, single submitter. Criteria: Ambry Variant Classification Scheme 2023. Collection method: clinical testing. Allele origin: germline.

NM_001843.4(CNTN1):c.184T>G (p.Ser62Ala)

Gene: CNTN1 (contactin 1; plus strand). Cytogenetic location: 12q12.
Variant type: single nucleotide variant.
Coding change: c.184T>G on transcript NM_001843.4 (MANE Select); coding-DNA position 184, T replaced by G.
Protein change: p.Ser62Ala; replaces serine 62 with alanine.
Molecular consequence: missense variant.
Genome position (GRCh38, 1-based): chr12:40,918,728, T>G. VCF-style: chr12-40918728-T-G. GRCh37 (hg19) VCF-style: chr12-41312530-T-G.
Other names: c.184T>G, p.Ser62Ala (NM_001256063.2, NM_001256064.2); c.151T>G, p.Ser51Ala (NM_175038.2); c.184T>G (NM_001843.3); short protein forms S51A, S62A.
Identifiers: ClinVar variation 2335030 (VCV002335030.4), dbSNP rs1477303120, ClinGen allele CA384421723.